The following is an entry in ClinVar:

NM_000051.4(ATM):c.5677_5680del (p.Glu1894fs)

Gene: ATM (ATM serine/threonine kinase; plus strand). Cytogenetic location: 11q22.3.
Variant type: Deletion.
Coding change: c.5677_5680del on transcript NM_000051.4 (MANE Select); coding-DNA positions 5677 to 5680, 4 bases deleted (TCAG; older notation c.5677_5680delTCAG).
Protein change: p.Glu1894fs; shifts the reading frame from glutamic acid 1894.
Molecular consequence: frameshift variant.
Genome position (GRCh38, 1-based): chr11:108,307,899-108,307,902, TCAG deleted; deleting any 4 consecutive bases within chr11:108,307,897-108,307,902 gives the same sequence; the c. name uses the placement nearest the transcript's 3' end. VCF-style (leftmost placement, unchanged base first): chr11-108307896-GAGTC-G. GRCh37 (hg19) VCF-style: chr11-108178623-GAGTC-G.
Other names: c.5677_5680delTCAG (NM_000051.3); c.5677_5680del, p.Glu1894fs (NM_001351834.2); short protein forms E1894fs.
Identifiers: ClinVar variation 1074091 (VCV001074091.8), dbSNP rs2135975673, ClinGen allele CA2499220663.

ClinVar aggregate classification (germline): Pathogenic. Review status: criteria provided, multiple submitters, no conflicts (2 of 4 stars). 2 submissions from 2 submitters: Pathogenic (2). Last evaluated 2025-03-25.

Conditions:
Hereditary cancer-predisposing syndrome. Also called: Neoplastic Syndromes, Hereditary; Hereditary neoplastic syndrome; Tumor predisposition; Hereditary Cancer Syndrome. Identifiers: Orphanet 140162, MedGen C0027672, MeSH D009386, MONDO:0015356.
Ataxia-telangiectasia syndrome (AT). Also called: Cerebello-oculocutaneous telangiectasia; Immunodeficiency with ataxia telangiectasia; ATAXIA-TELANGIECTASIA, FRESNO VARIANT; Ataxia-telangiectasia, complementation group D; Ataxia telangiectasia (A-T); LOUIS-BAR SYNDROME. Identifiers: Orphanet 100, MedGen C0004135, MONDO:0008840, OMIM 208900.

Submissions (2):

Ambry Genetics
Classification: Pathogenic for Hereditary cancer-predisposing syndrome. Last evaluated: 2025-03-25. Review status: criteria provided, single submitter. Criteria: Ambry Variant Classification Scheme 2023. Collection method: clinical testing. Allele origin: germline.
Comment: The c.5677_5680delTCAG pathogenic mutation, located in coding exon 37 of the ATM gene, results from a deletion of 4 nucleotides at nucleotide positions 5677 to 5680, causing a translational frameshift with a predicted alternate stop codon (p.E1894Tfs*22). This variant is considered to be rare based on population cohorts in the Genome Aggregation Database (gnomAD). This alteration is expected to result in loss of function by premature protein truncation or nonsense-mediated mRNA decay. As such, this alteration is interpreted as a disease-causing mutation.

Labcorp Genetics (formerly Invitae), Labcorp
Classification: Pathogenic for Ataxia-telangiectasia syndrome. Last evaluated: 2024-10-02. Review status: criteria provided, single submitter. Criteria: Invitae Variant Classification Sherloc (09022015). Collection method: clinical testing. Allele origin: germline.
Comment: This sequence change creates a premature translational stop signal (p.Glu1894Thrfs*22) in the ATM gene. It is expected to result in an absent or disrupted protein product. Loss-of-function variants in ATM are known to be pathogenic (PMID: 23807571, 25614872). This variant is not present in population databases (gnomAD no frequency). This variant has not been reported in the literature in individuals affected with ATM-related conditions. ClinVar contains an entry for this variant (Variation ID: 1074091). Algorithms developed to predict the effect of sequence changes on RNA splicing suggest that this variant may disrupt the consensus splice site. For these reasons, this variant has been classified as Pathogenic.

Literature cited by the submitters: PubMed 23807571 (cited by Labcorp Genetics (formerly Invitae), Labcorp); PubMed 25614872 (cited by Labcorp Genetics (formerly Invitae), Labcorp).